The following is an entry in ClinVar:

NM_014141.6(CNTNAP2):c.*1017T>G

Gene: CNTNAP2 (contactin associated protein 2; plus strand). Cytogenetic location: 7q36.1.
Variant type: single nucleotide variant.
Coding change: c.*1017T>G on transcript NM_014141.6 (MANE Select); 1017 bases downstream of the stop codon, T replaced by G.
Molecular consequence: 3 prime UTR variant.
Genome position (GRCh38, 1-based): chr7:148,416,633, T>G. VCF-style: chr7-148416633-T-G. GRCh37 (hg19) VCF-style: chr7-148113725-T-G.
Identifiers: ClinVar variation 359211 (VCV000359211.7), dbSNP rs77001133, ClinGen allele CA10628474.

ClinVar aggregate classification (germline): Benign/Likely benign. Review status: criteria provided, multiple submitters, no conflicts (2 of 4 stars). 2 submissions from 2 submitters: Benign (1); Likely benign (1). Last evaluated 2018-01-13.

Conditions:
Cortical dysplasia-focal epilepsy syndrome (PTHSL1). Also called: Pitt-Hopkins-like syndrome 1. Identifiers: Orphanet 163681, Orphanet 221150, MedGen C2750246, MONDO:0012400, OMIM 610042.

Allele frequency attached by ClinVar (database versions not stated): gnomAD 0.02487; 1000 Genomes Project 0.02516; 1000 Genomes Project 30x 0.02733; TOPMed 0.02749.

Submissions (2):

Illumina Laboratory Services, Illumina
Classification: Benign for Cortical dysplasia-focal epilepsy syndrome. Last evaluated: 2018-01-13. Review status: criteria provided, single submitter. Criteria: ICSL Variant Classification Criteria 13 December 2019. Collection method: clinical testing. Allele origin: germline.
Comment: This variant was observed in the ICSL laboratory as part of a predisposition screen in an ostensibly healthy population. It had not been previously curated by ICSL or reported in the Human Gene Mutation Database (HGMD: prior to June 1st, 2018), and was therefore a candidate for classification through an automated scoring system. Utilizing variant allele frequency, disease prevalence and penetrance estimates, and inheritance mode, an automated score was calculated to assess if this variant is too frequent to cause the disease. Based on the score and internal cut-off values, a variant classified as benign is not then subjected to further curation. The score for this variant resulted in a classification of benign for this disease.

Breakthrough Genomics
Classification: Likely benign. Review status: criteria provided, single submitter. Criteria: ACMG Guidelines, 2015. Collection method: not provided. Allele origin: germline. Inheritance: Autosomal recessive inheritance. Affected: yes.